The following is an entry in ClinVar:

NM_000751.3(CHRND):c.510-1G>T

Gene: CHRND (cholinergic receptor nicotinic delta subunit; plus strand). Cytogenetic location: 2q37.1.
Variant type: single nucleotide variant.
Coding change: c.510-1G>T on transcript NM_000751.3 (MANE Select); the canonical splice acceptor site of the intron before coding-DNA position 510, G replaced by T.
Molecular consequence: splice acceptor variant. On other transcripts: intron variant (1).
Genome position (GRCh38, 1-based): chr2:232,528,861, G>T. VCF-style: chr2-232528861-G-T. GRCh37 (hg19) VCF-style: chr2-233393571-G-T.
Other names: c.238+205G>T (NM_001311195.2); c.207-1G>T (NM_001311196.2); c.465-1G>T (NM_001256657.2).
Identifiers: ClinVar variation 3653271 (VCV003653271.2).

ClinVar aggregate classification (germline): Likely pathogenic (1 of 4 stars; one submission).

Conditions:
Lethal multiple pterygium syndrome (LMPS). Identifiers: Orphanet 33108, MedGen C1854678, MONDO:0009668, OMIM 253290.

Submission:

Labcorp Genetics (formerly Invitae), Labcorp
Classification: Likely pathogenic for Lethal multiple pterygium syndrome. Last evaluated: 2024-05-15. Review status: criteria provided, single submitter. Criteria: Invitae Variant Classification Sherloc (09022015). Collection method: clinical testing. Allele origin: germline.
Comment: This sequence change affects an acceptor splice site in intron 5 of the CHRND gene. It is expected to disrupt RNA splicing. Variants that disrupt the donor or acceptor splice site typically lead to a loss of protein function (PMID: 16199547), and loss-of-function variants in CHRND are known to be pathogenic (PMID: 11435464, 25264167). This variant is not present in population databases (gnomAD no frequency). Disruption of this splice site has been observed in individual(s) with clinical features of autosomal recessive CHRND-related condition (PMID: 33820833). Algorithms developed to predict the effect of sequence changes on RNA splicing suggest that this variant may disrupt the consensus splice site. In summary, the currently available evidence indicates that the variant is pathogenic, but additional data are needed to prove that conclusively. Therefore, this variant has been classified as Likely Pathogenic.

Literature cited by the submitters: PubMed 16199547; PubMed 11435464; PubMed 25264167; PubMed 33820833.